The following is an entry in ClinVar:

ClinVar aggregate classification (germline): Likely benign. Review status: criteria provided, multiple submitters, no conflicts (2 of 4 stars). 2 submissions from 2 submitters: Likely benign (2). Last evaluated 2025-02-27.

Conditions:
Familial adenomatous polyposis 2. Also called: COLORECTAL ADENOMATOUS POLYPOSIS, AUTOSOMAL RECESSIVE; MUTYH Polyposis; MUTYH-associated polyposis; MUTYH-related attenuated familial adenomatous polyposis; Adenomas, multiple colorectal; ADENOMAS, MULTIPLE COLORECTAL, AUTOSOMAL RECESSIVE. Identifiers: Orphanet 220460, Orphanet 247798, MedGen C3272841, MONDO:0012041, OMIM 608456.

Allele frequency attached by ClinVar (database versions not stated): gnomAD exomes below 0.00001; TOPMed below 0.00001; gnomAD 0.00001.
gnomAD v4.1: 6 of 1,614,092 alleles (0.00037%); highest among the groups gnomAD compares: African/African-American, 0.0013%; no homozygotes.

Submissions (2):

Labcorp Genetics (formerly Invitae), Labcorp
Classification: Likely benign for Familial adenomatous polyposis 2. Last evaluated: 2025-02-27. Review status: criteria provided, single submitter. Criteria: Invitae Variant Classification Sherloc (09022015). Collection method: clinical testing. Allele origin: germline.

GeneDx
Classification: Likely benign. Last evaluated: 2017-01-03. Review status: criteria provided, single submitter. Criteria: GeneDx Variant Classification (06012015). Collection method: clinical testing. Allele origin: germline. Affected: yes.
Comment: This variant is considered likely benign or benign based on one or more of the following criteria: it is a conservative change, it occurs at a poorly conserved position in the protein, it is predicted to be benign by multiple in silico algorithms, and/or has population frequency not consistent with disease.

NM_001048174.2(MUTYH):c.849+20G>A

Gene: MUTYH (mutY DNA glycosylase; minus strand). Cytogenetic location: 1p34.1.
Variant type: single nucleotide variant.
Coding change: c.849+20G>A on transcript NM_001048174.2 (MANE Select); 20 bases into the intron after coding-DNA position 849, G replaced by A.
Molecular consequence: intron variant.
Genome position (GRCh38, 1-based): chr1:45,332,146, C>T on the plus strand (G>A on the coding strand, the complement: MUTYH is on the minus strand). VCF-style: chr1-45332146-C-T. GRCh37 (hg19) VCF-style: chr1-45797818-C-T.
Other names: c.504+20G>A (NM_001350651.2, NM_001350650.2); c.573+20G>A (NM_001293192.2, NM_001293196.2); c.849+20G>A (NM_001048171.2, NM_001048173.2, NM_001293195.2); c.894+20G>A (NM_001293190.2); c.924+20G>A (NM_012222.3); c.933+20G>A (NM_001128425.2); c.852+20G>A (NM_001048172.2); c.882+20G>A (NM_001293191.2).
Identifiers: ClinVar variation 392626 (VCV000392626.8), dbSNP rs1057524570, ClinGen allele CA16603728.